The following is an entry in ClinVar:

NM_000059.4(BRCA2):c.92_106del (p.Trp31_Leu35del)

Gene: BRCA2 (BRCA2 DNA repair associated; plus strand). Cytogenetic location: 13q13.1.
Variant type: Deletion.
Coding change: c.92_106del on transcript NM_000059.4 (MANE Select); coding-DNA positions 92 to 106, 15 bases deleted (GGTTTGAAGAACTTT).
Protein change: p.Trp31_Leu35del.
Molecular consequence: inframe deletion.
Genome position (GRCh38, 1-based): chr13:32,319,101-32,319,115, GGTTTGAAGAACTTT deleted; deleting any 15 consecutive bases within chr13:32,319,099-32,319,115 gives the same sequence; the c. name uses the placement nearest the transcript's 3' end. VCF-style (leftmost placement, unchanged base first): chr13-32319098-ATTGGTTTGAAGAACT-A. GRCh37 (hg19) VCF-style: chr13-32893235-ATTGGTTTGAAGAACT-A.
Other names: c.92_106delGGTTTGAAGAACTTT (NM_000059.3).
Identifiers: ClinVar variation 230129 (VCV000230129.14), dbSNP rs876658407, ClinGen allele CA10579445.

ClinVar aggregate classification (germline): Uncertain significance. Review status: criteria provided, multiple submitters, no conflicts (2 of 4 stars). 2 submissions from 2 submitters: Uncertain significance (2). Last evaluated 2018-09-29.

Conditions:
Hereditary cancer-predisposing syndrome. Also called: Hereditary neoplastic syndrome; Hereditary Cancer Syndrome; Neoplastic Syndromes, Hereditary; Tumor predisposition. Identifiers: Orphanet 140162, MedGen C0027672, MeSH D009386, MONDO:0015356.
Hereditary breast ovarian cancer syndrome. Also called: Hereditary breast and ovarian cancer syndrome; Hereditary breast and ovarian cancer syndrome (HBOC); Breast and ovarian cancer; Hereditary breast and/or ovarian cancer syndrome; Hereditary breast and ovarian cancer; BRCA1- and BRCA2-Associated Hereditary Breast and Ovarian Cancer. Identifiers: Orphanet 145, MedGen C0677776, MeSH D061325, MONDO:0003582. Disease mechanism: loss of function.

Submissions (2):

Labcorp Genetics (formerly Invitae), Labcorp
Classification: Uncertain significance for Hereditary breast ovarian cancer syndrome. Last evaluated: 2018-09-29. Review status: criteria provided, single submitter. Criteria: Invitae Variant Classification Sherloc (09022015). Collection method: clinical testing. Allele origin: germline.
Comment: Experimental studies and prediction algorithms are not available for this variant, and the functional significance of the affected amino acid(s) is currently unknown. In summary, the available evidence is currently insufficient to determine the role of this variant in disease. Therefore, it has been classified as a Variant of Uncertain Significance. This variant has not been reported in the literature in individuals with BRCA2-related disease. ClinVar contains an entry for this variant (Variation ID: 230129). This variant, c.92_106del, results in the deletion of 5 amino acid(s) of the BRCA2 protein (p.Trp31_Leu35del), but otherwise preserves the integrity of the reading frame. This variant is not present in population databases (ExAC no frequency).

Ambry Genetics
Classification: Uncertain significance for Hereditary cancer-predisposing syndrome. Last evaluated: 2018-02-27. Review status: criteria provided, single submitter. Criteria: Ambry Variant Classification Scheme 2023. Collection method: clinical testing. Allele origin: germline.
Comment: The c.92_106del15 variant (also known as p.W31_L35del) located in coding exon 2 of the BRCA2 gene. This variant results from an in-frame deletion of 15 nucleotides at positions 92 through 106 and causes the removal of 5 highly-conserved amino acids at codons 31 to 35. This variant was not reported in population based cohorts in the following databases: Database of Single Nucleotide Polymorphisms (dbSNP), NHLBI Exome Sequencing Project (ESP), and 1000 Genomes Project. In the ESP, this variant was not observed in 6502 samples (13004 alleles) with coverage at this position. To date, this alteration has been detected with an allele frequency of approximately 0.001% (greater than 105000 alleles tested) in our clinical cohort. This region is highly conserved in available vertebrate species. Since supporting evidence is limited at this time, the clinical significance of c.92_106del15 remains unclear.